The following is an entry in ClinVar:

ClinVar aggregate classification (germline): Benign/Likely benign. Review status: criteria provided, multiple submitters, no conflicts (2 of 4 stars). 4 submissions from 4 submitters: Benign (1); Likely benign (3). Last evaluated 2025-03-04.

Conditions:
Familial cancer of breast. Also called: hereditary breast carcinoma; Hereditary breast cancer; BREAST CANCER, FAMILIAL. Identifiers: Orphanet 227535, MedGen C0346153, MONDO:0016419, OMIM 114480. Disease mechanism: loss of function.
Hereditary cancer-predisposing syndrome. Also called: Tumor predisposition; Hereditary neoplastic syndrome; Neoplastic Syndromes, Hereditary; Hereditary Cancer Syndrome. Identifiers: Orphanet 140162, MedGen C0027672, MeSH D009386, MONDO:0015356.

Submissions (4):

Center for Genomic Medicine, Rigshospitalet, Copenhagen University Hospital
Classification: Likely benign. Last evaluated: 2025-03-04. Review status: criteria provided, single submitter. Criteria: ACMG Guidelines, 2015. Collection method: clinical testing. Allele origin: germline.

Myriad Genetics, Inc.
Classification: Benign for Familial cancer of breast. Last evaluated: 2025-01-13. Review status: criteria provided, single submitter. Criteria: Myriad Autosomal Dominant, Autosomal Recessive and X-Linked Classification Criteria (2023). Collection method: clinical testing. Allele origin: unknown.
Comment: This variant is considered benign. This variant is a silent/synonymous amino acid change and it is not expected to impact splicing.

Labcorp Genetics (formerly Invitae), Labcorp
Classification: Likely benign for Familial cancer of breast. Last evaluated: 2022-11-01. Review status: criteria provided, single submitter. Criteria: Invitae Variant Classification Sherloc (09022015). Collection method: clinical testing. Allele origin: germline.

Ambry Genetics
Classification: Likely benign for Hereditary cancer-predisposing syndrome. Last evaluated: 2019-01-03. Review status: criteria provided, single submitter. Criteria: Ambry Variant Classification Scheme 2023. Collection method: clinical testing. Allele origin: germline.

NM_024675.4(PALB2):c.1170T>A (p.Ser390=)

Gene: PALB2 (partner and localizer of BRCA2; minus strand). Cytogenetic location: 16p12.2.
Variant type: single nucleotide variant.
Coding change: c.1170T>A on transcript NM_024675.4 (MANE Select); coding-DNA position 1170, T replaced by A.
Protein change: p.Ser390=; no amino-acid change (serine 390 retained).
Molecular consequence: synonymous variant.
Genome position (GRCh38, 1-based): chr16:23,635,376, A>T on the plus strand (T>A on the coding strand, the complement: PALB2 is on the minus strand). VCF-style: chr16-23635376-A-T. GRCh37 (hg19) VCF-style: chr16-23646697-A-T.
Identifiers: ClinVar variation 818490 (VCV000818490.16), dbSNP rs1597096863, ClinGen allele CA494461863.